The following is an entry in ClinVar:

ClinVar aggregate classification (germline): Benign (1 of 4 stars; one submission).

Allele frequency attached by ClinVar (database versions not stated): 1000 Genomes Project 30x 0.93738; 1000 Genomes Project 0.94089; TOPMed 0.95231; gnomAD 0.95502 and 0.95654.
gnomAD v4.1: 145,693 of 152,254 alleles (96%); highest among the groups gnomAD compares: Non-Finnish European, 100%; 70,008 homozygotes.

Submission:

GeneDx
Classification: Benign. Last evaluated: 2018-06-14. Review status: criteria provided, single submitter. Criteria: GeneDx Variant Classification (06012015). Collection method: clinical testing. Allele origin: germline. Affected: yes.
Comment: This variant is considered likely benign or benign based on one or more of the following criteria: it is a conservative change, it occurs at a poorly conserved position in the protein, it is predicted to be benign by multiple in silico algorithms, and/or has population frequency not consistent with disease.

NM_018109.4(MTPAP):c.331-170C>A

Gene: MTPAP (mitochondrial poly(A) polymerase; minus strand). Cytogenetic location: 10p11.23.
Variant type: single nucleotide variant.
Coding change: c.331-170C>A on transcript NM_018109.4 (MANE Select); 170 bases into the intron before coding-DNA position 331, C replaced by A.
Molecular consequence: intron variant.
Genome position (GRCh38, 1-based): chr10:30,340,620, G>T on the plus strand (C>A on the coding strand, the complement: MTPAP is on the minus strand). VCF-style: chr10-30340620-G-T. GRCh37 (hg19) VCF-style: chr10-30629549-G-T.
Identifiers: ClinVar variation 683222 (VCV000683222.1), dbSNP rs2252246, ClinGen allele CA205284476.
Genomic context (GRCh38, chr10:30,340,620, plus strand): 5'-TTAAAATTTACAAATGATATGATTCTAACATAGCATTAATTTTATTCAATTTAAGTAGAT[G>T]AAGAAAAGGAACACTGGGCCGGGCGCAGTGGCTCACGCTTGTAATCCCAGCACTTTGGGA-3'